The following is an entry in ClinVar:

NM_001270520.2(DAAM1):c.2593A>C (p.Asn865His)

Gene: DAAM1 (dishevelled associated activator of morphogenesis 1; plus strand). Cytogenetic location: 14q23.1.
Variant type: single nucleotide variant.
Coding change: c.2593A>C on transcript NM_001270520.2 (MANE Select); coding-DNA position 2593, A replaced by C.
Protein change: p.Asn865His; replaces asparagine 865 with histidine.
Molecular consequence: missense variant.
Genome position (GRCh38, 1-based): chr14:59,359,464, A>C. VCF-style: chr14-59359464-A-C. GRCh37 (hg19) VCF-style: chr14-59826182-A-C.
Other names: c.2623A>C, p.Asn875His (NM_014992.2); short protein forms N865H, N875H.
Identifiers: ClinVar variation 775348 (VCV000775348.6), dbSNP rs61740455, ClinGen allele CA7207826.

ClinVar aggregate classification (germline): Benign. Review status: criteria provided, multiple submitters, no conflicts (2 of 4 stars). 3 submissions from 3 submitters: Benign (2). 1 of the submissions does not count toward it. Last evaluated 2018-03-02.

Conditions:
DAAM1-related disorder. Also called: DAAM1-related condition.

Allele frequency attached by ClinVar (database versions not stated): gnomAD exomes 0.00141 and 0.00358; ExAC 0.00428; gnomAD 0.01223 and 0.01304; ESP Exome Variant Server 0.01338; TOPMed 0.01465; 1000 Genomes Project 0.01597; 1000 Genomes Project 30x 0.01702.
gnomAD v4.1: 4,066 of 1,613,868 alleles (0.25%); highest among the groups gnomAD compares: African/African-American, 4%; 72 homozygotes.

Submissions (3):

Labcorp Genetics (formerly Invitae), Labcorp
Classification: Benign. Last evaluated: 2018-03-02. Review status: criteria provided, single submitter. Criteria: Invitae Variant Classification Sherloc (09022015). Collection method: clinical testing. Allele origin: germline.

Breakthrough Genomics
Classification: Benign. Review status: criteria provided, single submitter. Criteria: ACMG Guidelines, 2015. Collection method: not provided. Allele origin: germline. Inheritance: Unknown mechanism. Affected: yes.

PreventionGenetics, part of Exact Sciences
Classification: Benign for DAAM1-related condition. Last evaluated: 2019-11-06. Review status: no assertion criteria provided. Collection method: clinical testing. Allele origin: germline. Not counted in ClinVar's aggregate classification.
Comment: This variant is classified as benign based on ACMG/AMP sequence variant interpretation guidelines (Richards et al. 2015 PMID: 25741868, with internal and published modifications).